The following is an entry in ClinVar:

NM_199420.4(POLQ):c.6419A>G (p.Glu2140Gly)

Gene: POLQ (DNA polymerase theta; minus strand). Cytogenetic location: 3q13.33.
Variant type: single nucleotide variant.
Coding change: c.6419A>G on transcript NM_199420.4 (MANE Select); coding-DNA position 6419, A replaced by G.
Protein change: p.Glu2140Gly; replaces glutamic acid 2140 with glycine.
Molecular consequence: missense variant.
Genome position (GRCh38, 1-based): chr3:121,473,474, T>C on the plus strand (A>G on the coding strand, the complement: POLQ is on the minus strand). VCF-style: chr3-121473474-T-C. GRCh37 (hg19) VCF-style: chr3-121192321-T-C.
Other names: short protein forms E2140G.
Identifiers: ClinVar variation 3230104 (VCV003230104.1), dbSNP rs1294085673, ClinGen allele CA354086209.

ClinVar aggregate classification (germline): Uncertain significance (1 of 4 stars; one submission).

Allele frequency attached by ClinVar (database versions not stated): TOPMed below 0.00001; gnomAD 0.00001.

Submission:

Ambry Genetics
Classification: Uncertain significance. Last evaluated: 2023-12-22. Review status: criteria provided, single submitter. Criteria: Ambry Variant Classification Scheme 2023. Collection method: clinical testing. Allele origin: germline.
Comment: The p.E2140G variant (also known as c.6419A>G), located in coding exon 21 of the POLQ gene, results from an A to G substitution at nucleotide position 6419. The glutamic acid at codon 2140 is replaced by glycine, an amino acid with similar properties. This amino acid position is conserved. In addition, this alteration is predicted to be tolerated by in silico analysis. Since supporting evidence is limited at this time, the clinical significance of this alteration remains unclear.